The following is an entry in ClinVar:

ClinVar aggregate classification (germline): Conflicting classifications of pathogenicity. Review status: criteria provided, conflicting classifications (1 of 4 stars). 2 submissions from 2 submitters: Uncertain significance (1); Likely benign (1). Last evaluated 2024-12-28.

gnomAD v4.1: 11 of 1,614,036 alleles (0.00068%); highest among the groups gnomAD compares: South Asian, 0.0044%; no homozygotes.

Submissions (2):

Labcorp Genetics (formerly Invitae), Labcorp
Classification: Uncertain significance. Last evaluated: 2024-12-28. Review status: criteria provided, single submitter. Criteria: Invitae Variant Classification Sherloc (09022015). Collection method: clinical testing. Allele origin: germline.
Comment: This sequence change affects codon 205 of the EEF2 mRNA. It is a 'silent' change, meaning that it does not change the encoded amino acid sequence of the EEF2 protein. This variant is present in population databases (rs375130935, gnomAD 0.006%). This variant has not been reported in the literature in individuals affected with EEF2-related conditions. ClinVar contains an entry for this variant (Variation ID: 1982836). Algorithms developed to predict the effect of sequence changes on RNA splicing suggest that this variant may create or strengthen a splice site. In summary, the available evidence is currently insufficient to determine the role of this variant in disease. Therefore, it has been classified as a Variant of Uncertain Significance.

Athena Diagnostics
Classification: Likely benign. Last evaluated: 2024-04-17. Review status: criteria provided, single submitter. Criteria: Athena Diagnostics Criteria. Collection method: clinical testing. Allele origin: unknown.

NM_001961.4(EEF2):c.615C>A (p.Ile205=)

Gene: EEF2 (eukaryotic translation elongation factor 2; minus strand). Cytogenetic location: 19p13.3.
Variant type: single nucleotide variant.
Coding change: c.615C>A on transcript NM_001961.4 (MANE Select); coding-DNA position 615, C replaced by A.
Protein change: p.Ile205=; no amino-acid change (isoleucine 205 retained).
Molecular consequence: synonymous variant.
Genome position (GRCh38, 1-based): chr19:3,982,422, G>T on the plus strand (C>A on the coding strand, the complement: EEF2 is on the minus strand). VCF-style: chr19-3982422-G-T. GRCh37 (hg19) VCF-style: chr19-3982420-G-T.
Other names: c.615C>A (NM_001961.3).
Identifiers: ClinVar variation 1982836 (VCV001982836.5), dbSNP rs375130935, ClinGen allele CA9089242.